The following is an entry in ClinVar:

NM_001035.3(RYR2):c.8935C>T (p.Arg2979Cys)

Gene: RYR2 (ryanodine receptor 2; plus strand). Cytogenetic location: 1q43.
Variant type: single nucleotide variant.
Coding change: c.8935C>T on transcript NM_001035.3 (MANE Select); coding-DNA position 8935, C replaced by T.
Protein change: p.Arg2979Cys; replaces arginine 2979 with cysteine.
Molecular consequence: missense variant.
Genome position (GRCh38, 1-based): chr1:237,680,495, C>T. VCF-style: chr1-237680495-C-T. GRCh37 (hg19) VCF-style: chr1-237843795-C-T.
Other names: short protein forms R2979C.
Identifiers: ClinVar variation 1015634 (VCV001015634.11), dbSNP rs1685779180, ClinGen allele CA345404382.

ClinVar aggregate classification (germline): Uncertain significance. Review status: criteria provided, multiple submitters, no conflicts (2 of 4 stars). 2 submissions from 2 submitters: Uncertain significance (2). Last evaluated 2024-03-24.

Conditions:
Catecholaminergic polymorphic ventricular tachycardia 1. Also called: VENTRICULAR TACHYCARDIA, STRESS-INDUCED POLYMORPHIC 1; VENTRICULAR TACHYCARDIA, CATECHOLAMINERGIC POLYMORPHIC, 1, WITH OR WITHOUT ATRIAL DYSFUNCTION AND/OR DILATED CARDIOMYOPATHY; RYR2-Related Catecholaminergic Polymorphic Ventricular Tachycardia. Identifiers: Orphanet 3286, MedGen C1631597, MONDO:0011484, OMIM 604772.
Catecholaminergic polymorphic ventricular tachycardia (CVPT). Also called: Catecholamine-induced polymorphic ventricular tachycardia. Identifiers: Orphanet 3286, MedGen C5574922, MONDO:0017990.

gnomAD v4.1: 1 of 1,604,796 alleles (0.000062%); highest among the groups gnomAD compares: Non-Finnish European, 0.000085%; no homozygotes.

Submissions (2):

All of Us Research Program, National Institutes of Health
Classification: Uncertain significance for Catecholaminergic polymorphic ventricular tachycardia. Last evaluated: 2024-03-24. Review status: criteria provided, single submitter. Criteria: ACMG Guidelines, 2015. Collection method: clinical testing. Allele origin: germline. Inheritance: Autosomal dominant inheritance. Observed: 1 variant allele, 1 heterozygote.
Comment: This missense variant replaces arginine with cysteine at codon 2979 of the RYR2 protein. Computational prediction suggests that this variant may not impact protein structure and function (internally defined REVEL score threshold <= 0.5, PMID: 27666373). To our knowledge, functional studies have not been reported for this variant. This variant has not been reported in individuals affected with RYR2-related disorders in the literature. This variant has not been identified in the general population by the Genome Aggregation Database (gnomAD). The available evidence is insufficient to determine the role of this variant in disease conclusively. Therefore, this variant is classified as a Variant of Uncertain Significance.

This study involves interpretation of variants in research participants for the purpose of population health screening. Participant phenotype was not available at the time of variant classification. Additional details can be found in publication PMID: 35346344, PMCID: PMC8962531

Labcorp Genetics (formerly Invitae), Labcorp
Classification: Uncertain significance for Catecholaminergic polymorphic ventricular tachycardia 1. Last evaluated: 2020-05-23. Review status: criteria provided, single submitter. Criteria: Invitae Variant Classification Sherloc (09022015). Collection method: clinical testing. Allele origin: germline.
Comment: This sequence change replaces arginine with cysteine at codon 2979 of the RYR2 protein (p.Arg2979Cys). The arginine residue is highly conserved and there is a large physicochemical difference between arginine and cysteine. In summary, the available evidence is currently insufficient to determine the role of this variant in disease. Therefore, it has been classified as a Variant of Uncertain Significance. Algorithms developed to predict the effect of missense changes on protein structure and function are either unavailable or do not agree on the potential impact of this missense change (SIFT: "Deleterious"; PolyPhen-2: "Benign"; Align-GVGD: "Class C65"). This variant has not been reported in the literature in individuals with RYR2-related conditions. This variant is not present in population databases (ExAC no frequency).